The following is an entry in ClinVar:

ClinVar aggregate classification (germline): Uncertain significance (1 of 4 stars; one submission).

gnomAD v4.1: 4 of 1,143,806 alleles (0.00035%); highest among the groups gnomAD compares: African/African-American, 0.0073%; no homozygotes.

Submission:

GeneDx
Classification: Uncertain significance. Last evaluated: 2026-10-12. Review status: criteria provided, single submitter. Criteria: GeneDx Variant Classification Process June 2021. Collection method: clinical testing. Allele origin: germline.
Comment: Has not been previously published as pathogenic or benign to our knowledge; In silico analysis suggests that this missense variant does not alter protein structure/function

NM_182699.4(DDX53):c.29G>C (p.Arg10Thr)

Genes: DDX53 (DEAD-box helicase 53; plus strand), PTCHD1-AS (PTCHD1 and PHEX antisense RNA; minus strand). Cytogenetic location: Xp22.11.
Variant type: single nucleotide variant.
Coding change: c.29G>C on transcript NM_182699.4 (MANE Select); coding-DNA position 29, G replaced by C.
Protein change: p.Arg10Thr; replaces arginine 10 with threonine.
Molecular consequence: missense variant.
Genome position (GRCh38, 1-based): chrX:23,000,086, G>C. VCF-style: chrX-23000086-G-C. GRCh37 (hg19) VCF-style: chrX-23018203-G-C.
Other names: short protein forms R10T.
Identifiers: ClinVar variation 4755782 (VCV004755782.2).
Genomic context (GRCh38, chrX:23,000,086, plus strand): 5'-GAAGCCGGTGCCGATACTCCCACTATCCCACAATGTCCCACTGGGCCCCAGAGTGGAAGA[G>C]GGCGGAGGCTAATCCAAGAGACCTTGGGGCCAGCTGGGATGTCAGGGGCAGCAGAGGCAG-3'
Protein context (NP_874358.2, residues 1-20): MSHWAPEWK[Arg10Thr]AEANPRDLGA